The following is an entry in ClinVar:

ClinVar aggregate classification (germline): Uncertain significance. Review status: criteria provided, multiple submitters, no conflicts (2 of 4 stars). 2 submissions from 2 submitters: Uncertain significance (2). Last evaluated 2025-02-24.

Allele frequency attached by ClinVar (database versions not stated): gnomAD 0.00001; gnomAD exomes 0.00001; ExAC 0.00002; TOPMed 0.00002.
gnomAD v4.1: 25 of 1,613,940 alleles (0.0015%); highest among the groups gnomAD compares: Middle Eastern, 0.016%; no homozygotes.

Submissions (2):

Labcorp Genetics (formerly Invitae), Labcorp
Classification: Uncertain significance. Last evaluated: 2025-02-24. Review status: criteria provided, single submitter. Criteria: Invitae Variant Classification Sherloc (09022015). Collection method: clinical testing. Allele origin: germline.
Comment: This sequence change replaces alanine, which is neutral and non-polar, with threonine, which is neutral and polar, at codon 694 of the MCM4 protein (p.Ala694Thr). This variant is present in population databases (rs777231755, gnomAD 0.006%). This variant has not been reported in the literature in individuals affected with MCM4-related conditions. ClinVar contains an entry for this variant (Variation ID: 1916424). Invitae Evidence Modeling of protein sequence and biophysical properties (such as structural, functional, and spatial information, amino acid conservation, physicochemical variation, residue mobility, and thermodynamic stability) has been performed for this missense variant. However, the output from this modeling did not meet the statistical confidence thresholds required to predict the impact of this variant on MCM4 protein function. In summary, the available evidence is currently insufficient to determine the role of this variant in disease. Therefore, it has been classified as a Variant of Uncertain Significance.

Blueprint Genetics
Classification: Uncertain significance. Last evaluated: 2024-09-25. Review status: criteria provided, single submitter. Criteria: ACMG Guidelines, 2015. Collection method: clinical testing. Allele origin: germline.

NM_182746.3(MCM4):c.2080G>A (p.Ala694Thr)

Gene: MCM4 (minichromosome maintenance complex component 4; plus strand). Cytogenetic location: 8q11.21.
Variant type: single nucleotide variant.
Coding change: c.2080G>A on transcript NM_182746.3 (MANE Select); coding-DNA position 2080, G replaced by A.
Protein change: p.Ala694Thr; replaces alanine 694 with threonine.
Molecular consequence: missense variant.
Genome position (GRCh38, 1-based): chr8:47,973,008, G>A. VCF-style: chr8-47973008-G-A. GRCh37 (hg19) VCF-style: chr8-48885568-G-A.
Other names: c.2080G>A, p.Ala694Thr (NM_005914.4); short protein forms A694T.
Identifiers: ClinVar variation 1916424 (VCV001916424.6), dbSNP rs777231755, ClinGen allele CA4742791.